The following is an entry in ClinVar:

ClinVar aggregate classification (germline): Uncertain significance. Review status: criteria provided, multiple submitters, no conflicts (2 of 4 stars). 3 submissions from 3 submitters: Uncertain significance (3). Last evaluated 2023-01-01.

Conditions:
Bardet-Biedl syndrome (BBS). Identifiers: Orphanet 110, MedGen C0752166, MONDO:0015229.

Allele frequency attached by ClinVar (database versions not stated): TOPMed below 0.00001; ExAC 0.00002; gnomAD exomes 0.00002.
gnomAD v4.1: 10 of 1,613,980 alleles (0.00062%); highest among the groups gnomAD compares: South Asian, 0.0033%; 1 homozygote.

Submissions (3):

CeGaT Center for Human Genetics Tuebingen
Classification: Uncertain significance. Last evaluated: 2023-01-01. Review status: criteria provided, single submitter. Criteria: CeGaT Center For Human Genetics Tuebingen Variant Classification Criteria Version 2. Collection method: clinical testing. Allele origin: germline. Affected: yes. Observed: 1 variant allele.
Comment: TRIM32: PP3

Labcorp Genetics (formerly Invitae), Labcorp
Classification: Uncertain significance for Bardet-Biedl syndrome. Last evaluated: 2022-07-20. Review status: criteria provided, single submitter. Criteria: Invitae Variant Classification Sherloc (09022015). Collection method: clinical testing. Allele origin: germline.
Comment: This sequence change replaces arginine, which is basic and polar, with cysteine, which is neutral and slightly polar, at codon 238 of the TRIM32 protein (p.Arg238Cys). This variant is present in population databases (rs769410403, gnomAD 0.007%). This missense change has been observed in individual(s) with unexplained limb girdle weakness (PMID: 32528171). Algorithms developed to predict the effect of missense changes on protein structure and function are either unavailable or do not agree on the potential impact of this missense change (SIFT: "Deleterious"; PolyPhen-2: "Benign"; Align-GVGD: "Class C65"). In summary, the available evidence is currently insufficient to determine the role of this variant in disease. Therefore, it has been classified as a Variant of Uncertain Significance.

GeneDx
Classification: Uncertain significance. Last evaluated: 2022-02-07. Review status: criteria provided, single submitter. Criteria: GeneDx Variant Classification Process June 2021. Collection method: clinical testing. Allele origin: germline. Affected: yes.
Comment: Identified by targeted exome sequencing in 2 alleles among 1001 patients with unexplained limb-girdle weakness; however, neither details about specific clinical features nor information about additional variants was provided (Topf et al., 2020); Not observed at significant frequency in large population cohorts (gnomAD); In silico analysis supports that this missense variant does not alter protein structure/function; This variant is associated with the following publications: (PMID: 32528171)

Literature cited by the submitters: PubMed 32528171 (cited by Labcorp Genetics (formerly Invitae), Labcorp).

NM_012210.4(TRIM32):c.712C>T (p.Arg238Cys)

Genes: ASTN2 (astrotactin 2; minus strand), TRIM32 (tripartite motif containing 32; plus strand). Cytogenetic location: 9q33.1.
Variant type: single nucleotide variant.
Coding change: c.712C>T on transcript NM_012210.4 (MANE Select); coding-DNA position 712, C replaced by T.
Protein change: p.Arg238Cys; replaces arginine 238 with cysteine.
Molecular consequence: missense variant. On other transcripts: intron variant (3).
Genome position (GRCh38, 1-based): chr9:116,698,454, C>T. VCF-style: chr9-116698454-C-T. GRCh37 (hg19) VCF-style: chr9-119460733-C-T.
Other names: c.712C>T, p.Arg238Cys (NM_001099679.2, NM_001379048.1, NM_001379049.1 and 1 more transcripts); c.2653+27317G>A (NM_014010.5); c.2794+27317G>A (NM_001365069.1); c.2806+27317G>A (NM_001365068.1); short protein forms R238C.
Identifiers: ClinVar variation 1700400 (VCV001700400.32), dbSNP rs769410403, ClinGen allele CA5211028.